The following is an entry in ClinVar:

NM_006614.4(CHL1):c.570C>T (p.Phe190=)

Gene: CHL1 (cell adhesion molecule L1 like; plus strand). Cytogenetic location: 3p26.3.
Variant type: single nucleotide variant.
Coding change: c.570C>T on transcript NM_006614.4 (MANE Select); coding-DNA position 570, C replaced by T.
Protein change: p.Phe190=; no amino-acid change (phenylalanine 190 retained).
Molecular consequence: synonymous variant.
Genome position (GRCh38, 1-based): chr3:341,973, C>T. VCF-style: chr3-341973-C-T. GRCh37 (hg19) VCF-style: chr3-383656-C-T.
Other names: c.570C>T, p.Phe190= (NM_001253387.2, NM_001253388.1).
Identifiers: ClinVar variation 739136 (VCV000739136.5), dbSNP rs373871502, ClinGen allele CA2224373.

ClinVar aggregate classification (germline): Likely benign. Review status: criteria provided, single submitter (1 of 4 stars). 2 submissions from 2 submitters: Likely benign (1). 1 of the submissions does not count toward it. Last evaluated 2018-03-30.

Conditions:
CHL1-related disorder. Also called: CHL1-related condition.

Allele frequency attached by ClinVar (database versions not stated): gnomAD 0.00004 and 0.00011; TOPMed 0.00006; ESP Exome Variant Server 0.00008; gnomAD exomes 0.00015; ExAC 0.00021; 1000 Genomes Project 30x 0.00141; 1000 Genomes Project 0.00160.
gnomAD v4.1: 136 of 1,613,340 alleles (0.0084%); highest among the groups gnomAD compares: South Asian, 0.12%; 1 homozygote.

Submissions (2):

Labcorp Genetics (formerly Invitae), Labcorp
Classification: Likely benign. Last evaluated: 2018-03-30. Review status: criteria provided, single submitter. Criteria: Invitae Variant Classification Sherloc (09022015). Collection method: clinical testing. Allele origin: germline.

PreventionGenetics, part of Exact Sciences
Classification: Likely benign for CHL1-related condition. Last evaluated: 2019-05-08. Review status: no assertion criteria provided. Collection method: clinical testing. Allele origin: germline. Not counted in ClinVar's aggregate classification.
Comment: This variant is classified as likely benign based on ACMG/AMP sequence variant interpretation guidelines (Richards et al. 2015 PMID: 25741868, with internal and published modifications).